The following is an entry in ClinVar:

NM_000388.4(CASR):c.1968C>A (p.Phe656Leu)

Gene: CASR (calcium sensing receptor; plus strand). Cytogenetic location: 3q21.1.
Variant type: single nucleotide variant.
Coding change: c.1968C>A on transcript NM_000388.4 (MANE Select); coding-DNA position 1968, C replaced by A.
Protein change: p.Phe656Leu; replaces phenylalanine 656 with leucine.
Molecular consequence: missense variant.
Genome position (GRCh38, 1-based): chr3:122,283,922, C>A. VCF-style: chr3-122283922-C-A. GRCh37 (hg19) VCF-style: chr3-122002769-C-A.
Other names: c.1998C>A, p.Phe666Leu (NM_001178065.2); short protein forms F656L, F666L.
Identifiers: ClinVar variation 1011158 (VCV001011158.9), dbSNP rs2074926557, ClinGen allele CA354158196.

ClinVar aggregate classification (germline): Uncertain significance (1 of 4 stars; one submission).

Conditions:
Autosomal dominant hypocalcemia 1 (HYPOC1). Also called: HYPOCALCEMIA, FAMILIAL. Identifiers: MedGen C3715128, MONDO:0011013, OMIM 601198.
Familial hypocalciuric hypercalcemia (FHH). Also called: Familial benign hypercalcemia. Identifiers: Orphanet 405, MedGen C1809471, MONDO:0018458.

Submission:

Labcorp Genetics (formerly Invitae), Labcorp
Classification: Uncertain significance for Familial hypocalciuric hypercalcemia; Autosomal dominant hypocalcemia 1. Last evaluated: 2020-07-14. Review status: criteria provided, single submitter. Criteria: Invitae Variant Classification Sherloc (09022015). Collection method: clinical testing. Allele origin: germline.
Comment: This variant is not present in population databases (ExAC no frequency). This sequence change replaces phenylalanine with leucine at codon 656 of the CASR protein (p.Phe656Leu). The phenylalanine residue is highly conserved and there is a small physicochemical difference between phenylalanine and leucine. This variant has not been reported in the literature in individuals with CASR-related conditions. Algorithms developed to predict the effect of missense changes on protein structure and function are either unavailable or do not agree on the potential impact of this missense change (SIFT: "Deleterious"; PolyPhen-2: "Benign"; Align-GVGD: "Class C15"). In summary, the available evidence is currently insufficient to determine the role of this variant in disease. Therefore, it has been classified as a Variant of Uncertain Significance.